The following is an entry in ClinVar:

NM_000195.5(HPS1):c.1921C>G (p.Leu641Val)

Gene: HPS1 (HPS1 biogenesis of lysosomal organelles complex 3 subunit 1; minus strand). Cytogenetic location: 10q24.2.
Variant type: single nucleotide variant.
Coding change: c.1921C>G on transcript NM_000195.5 (MANE Select); coding-DNA position 1921, C replaced by G.
Protein change: p.Leu641Val; replaces leucine 641 with valine.
Molecular consequence: missense variant.
Genome position (GRCh38, 1-based): chr10:98,418,194, G>C on the plus strand (C>G on the coding strand, the complement: HPS1 is on the minus strand). VCF-style: chr10-98418194-G-C. GRCh37 (hg19) VCF-style: chr10-100177951-G-C.
Other names: c.949C>G, p.Leu317Val (NM_001311345.2, NM_001322487.2, NM_001322489.2); c.1921C>G, p.Leu641Val (NM_001322476.2, NM_001322477.2); c.1822C>G, p.Leu608Val (NM_001322478.2, NM_001322479.2); c.1660C>G, p.Leu554Val (NM_001322480.2, NM_001322481.2); c.1561C>G, p.Leu521Val (NM_001322482.2); c.1552C>G, p.Leu518Val (NM_001322483.2, NM_001322484.2); c.1453C>G, p.Leu485Val (NM_001322485.2); short protein forms L317V, L521V, L641V, L518V, L485V, L554V, L608V.
Identifiers: ClinVar variation 3588687 (VCV003588687.2).

ClinVar aggregate classification (germline): Uncertain significance. Review status: criteria provided, multiple submitters, no conflicts (2 of 4 stars). 2 submissions from 2 submitters: Uncertain significance (2). Last evaluated 2025-09-22.

Conditions:
Hermansky-Pudlak syndrome 1 (HPS1). Also called: DELTA STORAGE POOL DISEASE. Identifiers: Orphanet 231500, Orphanet 79430, MedGen C2931875, MONDO:0008748, OMIM 203300.

Submissions (2):

Labcorp Genetics (formerly Invitae), Labcorp
Classification: Uncertain significance. Last evaluated: 2025-09-22. Review status: criteria provided, single submitter. Criteria: Invitae Variant Classification Sherloc (09022015). Collection method: clinical testing. Allele origin: germline.
Comment: This sequence change replaces leucine, which is neutral and non-polar, with valine, which is neutral and non-polar, at codon 641 of the HPS1 protein (p.Leu641Val). This variant is not present in population databases (gnomAD no frequency). This variant has not been reported in the literature in individuals affected with HPS1-related conditions. ClinVar contains an entry for this variant (Variation ID: 3588687). Invitae Evidence Modeling of protein sequence and biophysical properties (such as structural, functional, and spatial information, amino acid conservation, physicochemical variation, residue mobility, and thermodynamic stability) has been performed for this missense variant. However, the output from this modeling did not meet the statistical confidence thresholds required to predict the impact of this variant on HPS1 protein function. In summary, the available evidence is currently insufficient to determine the role of this variant in disease. Therefore, it has been classified as a Variant of Uncertain Significance.

Fulgent Genetics
Classification: Uncertain significance for Hermansky-Pudlak syndrome 1. Last evaluated: 2024-04-24. Review status: criteria provided, single submitter. Criteria: ACMG Guidelines, 2015. Collection method: clinical testing. Allele origin: germline.